The following is an entry in ClinVar:

ClinVar aggregate classification (germline): Conflicting classifications of pathogenicity. Review status: criteria provided, conflicting classifications (1 of 4 stars). 3 submissions from 3 submitters: Likely pathogenic (2); Uncertain significance (1). Last evaluated 2025-12-22.

Conditions:
Hereditary factor VIII deficiency disease (HEMA). Also called: HEMOPHILIA, CLASSIC; AUTOSOMAL HEMOPHILIA A; Hemophilia A; Hemophilia A, congenital; HEM A; Factor 8 deficiency, congenital. Identifiers: Orphanet 98878, MedGen C0019069, MONDO:0010602, OMIM 306700.

Allele frequency attached by ClinVar (database versions not stated): ExAC 0.00002; gnomAD exomes 0.00005; gnomAD 0.00001.
gnomAD v4.1: 60 of 1,209,199 alleles (0.005%); highest among the groups gnomAD compares: Middle Eastern, 0.023%; no homozygotes.

Submissions (3):

Myriad Genetics, Inc.
Classification: Uncertain significance for Hereditary factor VIII deficiency disease. Last evaluated: 2025-12-22. Review status: criteria provided, single submitter. Criteria: Myriad Autosomal Dominant, Autosomal Recessive and X-Linked Classification Criteria (2023). Collection method: clinical testing. Allele origin: unknown.
Comment: NM_000132.3(F8):c.1373G>A(R458H) is a missense variant classified as a variant of uncertain significance in the context of hemophilia A. R458H has been observed in a case with relevant disease (PMID: 29381227, 29296726). Relevant functional assessments of this variant are not available in the literature. R458H has been observed in referenced population frequency databases. In summary, there is insufficient evidence to classify NM_000132.3(F8):c.1373G>A(R458H) as pathogenic or benign. Please note: this variant was assessed in the context of healthy population screening.

Institute of Immunology and Genetics Kaiserslautern
Classification: Likely pathogenic for Hereditary factor VIII deficiency disease. Last evaluated: 2025-09-02. Review status: criteria provided, single submitter. Criteria: ACMG Guidelines, 2015. Collection method: clinical testing. Allele origin: germline.
Comment: ACMG Criteria: PM5, PM1, PM2_P, PP5; Variant was found in heterozygous state.

CeGaT Center for Human Genetics Tuebingen
Classification: Likely pathogenic. Last evaluated: 2023-09-01. Review status: criteria provided, single submitter. Criteria: CeGaT Center For Human Genetics Tuebingen Variant Classification Criteria Version 2. Collection method: clinical testing. Allele origin: germline. Affected: yes. Observed: 2 variant alleles.
Comment: F8: PM1, PM2, PS4:Moderate

Literature cited by the submitters: PubMed 29296726 (cited by Myriad Genetics, Inc.); PubMed 29381227 (cited by Myriad Genetics, Inc.).

NM_000132.4(F8):c.1373G>A (p.Arg458His)

Gene: F8 (coagulation factor VIII; minus strand). Cytogenetic location: Xq28.
Variant type: single nucleotide variant.
Coding change: c.1373G>A on transcript NM_000132.4 (MANE Select); coding-DNA position 1373, G replaced by A.
Protein change: p.Arg458His; replaces arginine 458 with histidine.
Molecular consequence: missense variant.
Genome position (GRCh38, 1-based): chrX:154,966,040, C>T on the plus strand (G>A on the coding strand, the complement: F8 is on the minus strand). VCF-style: chrX-154966040-C-T. GRCh37 (hg19) VCF-style: chrX-154194315-C-T.
Other names: short protein forms R458H.
Identifiers: ClinVar variation 2571387 (VCV002571387.29), dbSNP rs782052307, ClinGen allele CA10568469.
Genomic context (GRCh38, chrX:154,966,040, plus strand): 5'-TCTCCAACTTCCCCATAAAGTAAAGGTCCCAAGATTCCTGATTCATGCTGAATAGCTTCA[C>T]GAGTCTTAAAGGTTTCATCTGTGTATGCCATAAATCGGACTTTTTTGTACTTCCTACCAA-3'
Protein context (NP_000123.1, residues 448-468): MAYTDETFKT[Arg458His]EAIQHESGIL